The following is an entry in ClinVar:

NM_001256545.2(MEGF10):c.1214A>G (p.Tyr405Cys)

Gene: MEGF10 (multiple EGF like domains 10; plus strand). Cytogenetic location: 5q23.2.
Variant type: single nucleotide variant.
Coding change: c.1214A>G on transcript NM_001256545.2 (MANE Select); coding-DNA position 1214, A replaced by G.
Protein change: p.Tyr405Cys; replaces tyrosine 405 with cysteine.
Molecular consequence: missense variant.
Genome position (GRCh38, 1-based): chr5:127,417,721, A>G. VCF-style: chr5-127417721-A-G. GRCh37 (hg19) VCF-style: chr5-126753413-A-G.
Other names: c.1214A>G, p.Tyr405Cys (NM_001308119.2, NM_001308121.2, NM_032446.3); short protein forms Y405C.
Identifiers: ClinVar variation 2818499 (VCV002818499.3), dbSNP rs1764829943, ClinGen allele CA360728074.

ClinVar aggregate classification (germline): Uncertain significance (1 of 4 stars; one submission).

Conditions:
MEGF10-related myopathy (CMYO10A). Also called: Congenital myopathy 10A, severe variant. Identifiers: Orphanet 439212, MedGen C3280679, MONDO:0013731, OMIM 614399.

Allele frequency attached by ClinVar (database versions not stated): gnomAD exomes 0.00001.
gnomAD v4.1: 6 of 1,614,136 alleles (0.00037%); highest among the groups gnomAD compares: Non-Finnish European, 0.00051%; no homozygotes.

Submission:

Labcorp Genetics (formerly Invitae), Labcorp
Classification: Uncertain significance for MEGF10-related myopathy. Last evaluated: 2022-12-04. Review status: criteria provided, single submitter. Criteria: Invitae Variant Classification Sherloc (09022015). Collection method: clinical testing. Allele origin: germline.
Comment: This sequence change replaces tyrosine, which is neutral and polar, with cysteine, which is neutral and slightly polar, at codon 405 of the MEGF10 protein (p.Tyr405Cys). In summary, the available evidence is currently insufficient to determine the role of this variant in disease. Therefore, it has been classified as a Variant of Uncertain Significance. Advanced modeling of protein sequence and biophysical properties (such as structural, functional, and spatial information, amino acid conservation, physicochemical variation, residue mobility, and thermodynamic stability) performed at Invitae indicates that this missense variant is not expected to disrupt MEGF10 protein function. This variant has not been reported in the literature in individuals affected with MEGF10-related conditions. This variant is not present in population databases (gnomAD no frequency).